The following is an entry in ClinVar:

NM_005045.4(RELN):c.3649A>G (p.Ile1217Val)

Gene: RELN (reelin; minus strand). Cytogenetic location: 7q22.1.
Variant type: single nucleotide variant.
Coding change: c.3649A>G on transcript NM_005045.4 (MANE Select); coding-DNA position 3649, A replaced by G.
Protein change: p.Ile1217Val; replaces isoleucine 1217 with valine.
Molecular consequence: missense variant.
Genome position (GRCh38, 1-based): chr7:103,594,383, T>C on the plus strand (A>G on the coding strand, the complement: RELN is on the minus strand). VCF-style: chr7-103594383-T-C. GRCh37 (hg19) VCF-style: chr7-103234830-T-C.
Other names: c.3649A>G, p.Ile1217Val (NM_173054.3); short protein forms I1217V.
Identifiers: ClinVar variation 4792281 (VCV004792281.1).
Genomic context (GRCh38, chr7:103,594,383, plus strand): 5'-GAGGTAAAGTTGGATTGATAACTGGGATGATCTGCTTCTGCTTCTCGGACAGAATGATGA[T>C]GTCATCGACTGCCCACTGGTCATAGTCCTCCCCTGAGAACACGGGCTGCCACCAGCGGAA-3'
Protein context (NP_005036.2, residues 1207-1227): EDYDQWAVDD[Ile1217Val]IILSEKQKQI

ClinVar aggregate classification (germline): Uncertain significance (1 of 4 stars; one submission).

Conditions:
Norman-Roberts syndrome (LIS2). Also called: Lissencephaly 2 (Norman-Roberts type). Identifiers: Orphanet 89844, MedGen C0796089, MONDO:0009760, OMIM 257320.
Familial temporal lobe epilepsy 7. Identifiers: Orphanet 101046, MedGen C4225327, MONDO:0014639, OMIM 616436.

gnomAD v4.1: 1 of 1,614,066 alleles (0.000062%); highest among the groups gnomAD compares: South Asian, 0.0011%; no homozygotes.

Submission:

Labcorp Genetics (formerly Invitae), Labcorp
Classification: Uncertain significance for Familial temporal lobe epilepsy 7; Norman-Roberts syndrome. Last evaluated: 2025-12-19. Review status: criteria provided, single submitter. Criteria: Invitae Variant Classification Sherloc (09022015). Collection method: clinical testing. Allele origin: germline.
Comment: This sequence change replaces isoleucine, which is neutral and non-polar, with valine, which is neutral and non-polar, at codon 1217 of the RELN protein (p.Ile1217Val). This variant is not present in population databases (gnomAD no frequency). This variant has not been reported in the literature in individuals affected with RELN-related conditions. Invitae Evidence Modeling of protein sequence and biophysical properties (such as structural, functional, and spatial information, amino acid conservation, physicochemical variation, residue mobility, and thermodynamic stability) indicates that this missense variant is not expected to disrupt RELN protein function with a negative predictive value of 80%. In summary, the available evidence is currently insufficient to determine the role of this variant in disease. Therefore, it has been classified as a Variant of Uncertain Significance.